The following is an entry in ClinVar:

ClinVar aggregate classification (germline): Benign (3 of 4 stars; one submission).

Conditions:
Breast-ovarian cancer, familial, susceptibility to, 1 (BROVCA1). Also called: BRCA1 Hereditary Breast and Ovarian Cancer; OVARIAN CANCER, SUSCEPTIBILITY TO. Identifiers: Orphanet 145, MedGen C2676676, MONDO:0011450, OMIM 604370. Disease mechanism: loss of function.

Allele frequency attached by ClinVar (database versions not stated): TOPMed 0.29135; gnomAD 0.30303 and 0.31029; 1000 Genomes Project 30x 0.33510; 1000 Genomes Project 0.34265.
gnomAD v4.1: 47,169 of 151,948 alleles (31%); highest among the groups gnomAD compares: South Asian, 49%; 7,696 homozygotes.

Submission:

Evidence-based Network for the Interpretation of Germline Mutant Alleles (ENIGMA)
Classification: Benign for Breast-ovarian cancer, familial 1. Last evaluated: 2015-01-12. Review status: reviewed by expert panel. Criteria: ENIGMA BRCA1/2 Classification Criteria (2015). Collection method: curation. Allele origin: germline.
Comment: Class 1 not pathogenic based on frequency >1% in an outbred sampleset. Frequency 0.3304 (Asian), 0.2154 (African), 0.3602 (European), derived from 1000 genomes (2012-04-30).

NM_007294.4(BRCA1):c.5407-389A>G

Gene: BRCA1 (BRCA1 DNA repair associated; minus strand). Cytogenetic location: 17q21.31.
Variant type: single nucleotide variant.
Coding change: c.5407-389A>G on transcript NM_007294.4 (MANE Select); 389 bases into the intron before coding-DNA position 5407, A replaced by G.
Molecular consequence: intron variant.
Genome position (GRCh38, 1-based): chr17:43,048,092, T>C on the plus strand (A>G on the coding strand, the complement: BRCA1 is on the minus strand). VCF-style: chr17-43048092-T-C. GRCh37 (hg19) VCF-style: chr17-41200109-T-C.
Other names: IVS 22-389A>G; c.1954-389A>G (NM_001408458.1, NM_001408461.1, NM_001408464.1 and 7 more transcripts); c.4516-389A>G (NM_001407967.1); c.5026-389A>G (NM_001407959.1); c.5140-389A>G (NM_001407931.1, NM_001407932.1, NM_001407928.1 and 4 more transcripts); c.5263-389A>G (NM_001407747.1, NM_001407745.1, NM_001407737.1 and 18 more transcripts); c.5023-389A>G (NM_001407962.1, NM_001407960.1); c.1594-389A>G (NM_001408512.1); and 84 more.
Identifiers: ClinVar variation 209244 (VCV000209244.2), dbSNP rs4793190, ClinGen allele CA276216.